The following is an entry in ClinVar:

NM_001318852.2(MAPK8IP3):c.3937A>C (p.Ser1313Arg)

Gene: MAPK8IP3 (mitogen-activated protein kinase 8 interacting protein 3; plus strand). Cytogenetic location: 16p13.3.
Variant type: single nucleotide variant.
Coding change: c.3937A>C on transcript NM_001318852.2 (MANE Select); coding-DNA position 3937, A replaced by C.
Protein change: p.Ser1313Arg; replaces serine 1313 with arginine.
Molecular consequence: missense variant.
Genome position (GRCh38, 1-based): chr16:1,768,747, A>C. VCF-style: chr16-1768747-A-C. GRCh37 (hg19) VCF-style: chr16-1818748-A-C.
Other names: c.3916A>C, p.Ser1306Arg (NM_001040439.2); c.3934A>C, p.Ser1312Arg (NM_015133.5); short protein forms S1306R, S1312R, S1313R.
Identifiers: ClinVar variation 3384392 (VCV003384392.1).
Genomic context (GRCh38, chr16:1,768,747, plus strand): 5'-GCTGCTTTGCCCGCAGGAGACGGAGAGGACGACGAGACGGAGGAGGGCGCAGGGGACATG[A>C]GCCAGGTGAAGCCCGTGCTGTCCAAGGCAGAGCGCAGTCACATCATCGTGTGGCAGGTGT-3'
Protein context (NP_001305781.1, residues 1303-1323): DETEEGAGDM[Ser1313Arg]QVKPVLSKAE

ClinVar aggregate classification (germline): Uncertain significance (1 of 4 stars; one submission).

Submission:

GeneDx
Classification: Uncertain significance. Last evaluated: 2024-05-31. Review status: criteria provided, single submitter. Criteria: GeneDx Variant Classification Process June 2021. Collection method: clinical testing. Allele origin: germline. Affected: yes.
Comment: Not observed at significant frequency in large population cohorts (gnomAD); In silico analysis indicates that this missense variant does not alter protein structure/function; Has not been previously published as pathogenic or benign to our knowledge